The following is an entry in ClinVar:

ClinVar aggregate classification (germline): Likely benign. Review status: criteria provided, multiple submitters, no conflicts (2 of 4 stars). 3 submissions from 3 submitters: Likely benign (3). Last evaluated 2023-11-30.

Conditions:
Arrhythmogenic cardiomyopathy with wooly hair and keratoderma. Also called: Carvajal syndrome; Arrhythmogenic cardiomyopathy with woolly hair and keratoderma; PALMOPLANTAR KERATODERMA WITH LEFT VENTRICULAR CARDIOMYOPATHY AND WOOLLY HAIR; Dilated cardiomyopathy with woolly hair and keratoderma. Identifiers: Orphanet 65282, MedGen C1854063, MONDO:0011581, OMIM 605676.
Arrhythmogenic right ventricular dysplasia 8 (ARVD8). Also called: Arrhythmogenic Right Ventricular Dysplasia/Cardiomyopathy 8; ARRHYTHMOGENIC RIGHT VENTRICULAR DYSPLASIA, FAMILIAL, 8; ARRHYTHMOGENIC RIGHT VENTRICULAR CARDIOMYOPATHY 8. Identifiers: MedGen C1843896, MONDO:0011831, OMIM 607450.
Cardiomyopathy (CMYO). Also called: Cardiomyopathies. Identifiers: Orphanet 167848, MedGen C0878544, MONDO:0004994, HP:0001638. Inheritance: Various modes of inheritance.

Allele frequency attached by ClinVar (database versions not stated): gnomAD exomes below 0.00001; TOPMed below 0.00001; gnomAD 0.00001.
gnomAD v4.1: 5 of 1,613,990 alleles (0.00031%); highest among the groups gnomAD compares: Non-Finnish European, 0.00034%; no homozygotes.

Submissions (3):

All of Us Research Program, National Institutes of Health
Classification: Likely benign for Arrhythmogenic cardiomyopathy with wooly hair and keratoderma. Last evaluated: 2023-11-30. Review status: criteria provided, single submitter. Criteria: ACMG Guidelines, 2015. Collection method: clinical testing. Allele origin: germline. Inheritance: Autosomal dominant inheritance. Observed: 2 variant alleles, 2 heterozygotes.
Comment: This study involves interpretation of variants in research participants for the purpose of population health screening. Participant phenotype was not available at the time of variant classification. Additional details can be found in publication PMID: 35346344, PMCID: PMC8962531

Labcorp Genetics (formerly Invitae), Labcorp
Classification: Likely benign for Arrhythmogenic cardiomyopathy with wooly hair and keratoderma; Arrhythmogenic right ventricular dysplasia 8. Last evaluated: 2023-09-24. Review status: criteria provided, single submitter. Criteria: Invitae Variant Classification Sherloc (09022015). Collection method: clinical testing. Allele origin: germline.

Color Diagnostics, LLC DBA Color Health
Classification: Likely benign for Cardiomyopathy. Last evaluated: 2019-08-14. Review status: criteria provided, single submitter. Criteria: ACMG Guidelines, 2015. Collection method: clinical testing. Allele origin: germline.

NM_004415.4(DSP):c.3903G>A (p.Gln1301=)

Gene: DSP (desmoplakin; plus strand). Cytogenetic location: 6p24.3.
Variant type: single nucleotide variant.
Coding change: c.3903G>A on transcript NM_004415.4 (MANE Select); coding-DNA position 3903, G replaced by A.
Protein change: p.Gln1301=; no amino-acid change (glutamine 1301 retained).
Molecular consequence: synonymous variant. On other transcripts: intron variant (1).
Genome position (GRCh38, 1-based): chr6:7,580,093, G>A. VCF-style: chr6-7580093-G-A. GRCh37 (hg19) VCF-style: chr6-7580326-G-A.
Other names: c.3903G>A, p.Gln1301= (NM_001319034.2); c.3582+321G>A (NM_001008844.3).
Identifiers: ClinVar variation 754901 (VCV000754901.12), dbSNP rs1284991362, ClinGen allele CA448715318.